The following is an entry in ClinVar:

NM_004415.4(DSP):c.274-285dup

Gene: DSP (desmoplakin; plus strand). Cytogenetic location: 6p24.3.
Variant type: Duplication.
Coding change: c.274-285dup on transcript NM_004415.4 (MANE Select); 285 bases into the intron before coding-DNA position 274, one base duplicated (T; older notation c.274-285dupT).
Molecular consequence: intron variant.
Genome position (GRCh38, 1-based): chr6:7,557,831, T duplicated; the last of 2 consecutive T bases (chr6:7,557,830-7,557,831); duplicating either gives the same sequence. VCF-style (leftmost placement, unchanged base first): chr6-7557829-C-CT. GRCh37 (hg19) VCF-style: chr6-7558062-C-CT.
Other names: c.274-285dup (NM_001319034.2, NM_001008844.3).
Identifiers: ClinVar variation 672775 (VCV000672775.1), dbSNP rs112701971, ClinGen allele CA133949523.
Genomic context (GRCh38, chr6:7,557,829, plus strand): 5'-GTACCACTGTACCATAATGGTACAGTGTCCTTGTCACAATGAGATTCCCATTATATGAGA[C>CT]TTGTGTGTAAATATGAAAGATCAGCATTTAACATACTGAAGCAAGGGGAAGGTTAGCATT-3'

ClinVar aggregate classification (germline): Benign (1 of 4 stars; one submission).

Submission:

GeneDx
Classification: Benign. Last evaluated: 2018-06-14. Review status: criteria provided, single submitter. Criteria: GeneDx Variant Classification (06012015). Collection method: clinical testing. Allele origin: germline. Affected: yes.
Comment: This variant is considered likely benign or benign based on one or more of the following criteria: it is a conservative change, it occurs at a poorly conserved position in the protein, it is predicted to be benign by multiple in silico algorithms, and/or has population frequency not consistent with disease.